The following is an entry in ClinVar:

NM_001034853.2(RPGR):c.2617G>T (p.Glu873Ter)

Gene: RPGR (retinitis pigmentosa GTPase regulator; minus strand). Cytogenetic location: Xp11.4.
Variant type: single nucleotide variant.
Coding change: c.2617G>T on transcript NM_001034853.2 (MANE Select); coding-DNA position 2617, G replaced by T.
Protein change: p.Glu873Ter; replaces glutamic acid 873 with a stop codon.
Molecular consequence: nonsense. On other transcripts: intron variant (8).
Genome position (GRCh38, 1-based): chrX:38,286,382, C>A on the plus strand (G>T on the coding strand, the complement: RPGR is on the minus strand). VCF-style: chrX-38286382-C-A. GRCh37 (hg19) VCF-style: chrX-38145635-C-A.
Other names: c.1569+4577G>T (NM_001367249.1, NM_001367250.1); c.1902+712G>T (NM_001367245.1); c.1386+4577G>T (NM_001367251.1); c.1719+712G>T (NM_001367246.1); c.1572+4577G>T (NM_001367247.1); c.1905+712G>T (NM_000328.3); c.1602+4577G>T (NM_001367248.1); short protein forms E873*.
Identifiers: ClinVar variation 2156763 (VCV002156763.4), dbSNP rs2519788962, ClinGen allele CA412730212.
Genomic context (GRCh38, chrX:38,286,382, plus strand): 5'-CTTCTCCTTCCTCTTCTCCCTCCCCTTCTCCTTCCTCCTCTTCCCCCTCCCCTTCTCCTT[C>A]CTCCCCTTCTTCCTCCCCTTCTCCTTCTTCCCCTTCTTCCTCCCCTTTCCCTTCTCCTTC-3'

ClinVar aggregate classification (germline): Pathogenic (1 of 4 stars; one submission).

Conditions:
Primary ciliary dyskinesia. Also called: Ciliary dyskinesia. Identifiers: Orphanet 244, MedGen C0008780, MONDO:0016575, HP:0012265.

Submission:

Labcorp Genetics (formerly Invitae), Labcorp
Classification: Pathogenic for Primary ciliary dyskinesia. Last evaluated: 2022-05-24. Review status: criteria provided, single submitter. Criteria: Invitae Variant Classification Sherloc (09022015). Collection method: clinical testing. Allele origin: germline.
Comment: For these reasons, this variant has been classified as Pathogenic. This variant disrupts a region of the RPGR (ORF15) protein in which other variant(s) (p.Leu1130Lysfs*13) have been determined to be pathogenic (PMID: 22264887; Invitae). This suggests that this is a clinically significant region of the protein, and that variants that disrupt it are likely to be disease-causing. This variant has not been reported in the literature in individuals affected with RPGR (ORF15)-related conditions. The frequency data for this variant in the population databases is considered unreliable, as metrics indicate insufficient coverage at this position in the gnomAD database. This sequence change creates a premature translational stop signal (p.Glu873*) in the RPGR (ORF15) gene. While this is not anticipated to result in nonsense mediated decay, it is expected to disrupt the last 280 amino acid(s) of the RPGR (ORF15) protein.

Literature cited by the submitters: PubMed 22264887.